The following is an entry in ClinVar:

NM_000165.5(GJA1):c.895C>T (p.Arg299Cys)

Gene: GJA1 (gap junction protein alpha 1; plus strand). Cytogenetic location: 6q22.31.
Variant type: single nucleotide variant.
Coding change: c.895C>T on transcript NM_000165.5 (MANE Select); coding-DNA position 895, C replaced by T.
Protein change: p.Arg299Cys; replaces arginine 299 with cysteine.
Molecular consequence: missense variant.
Genome position (GRCh38, 1-based): chr6:121,447,742, C>T. VCF-style: chr6-121447742-C-T. GRCh37 (hg19) VCF-style: chr6-121768888-C-T.
Other names: c.895C>T (NM_000165.4, NM_000165.3); short protein forms R299C.
Identifiers: ClinVar variation 1381501 (VCV001381501.13), dbSNP rs748954821, ClinGen allele CA3981779.
Genomic context (GRCh38, chr6:121,447,742, plus strand): 5'-TCGCCTATGTCTCCTCCTGGGTACAAGCTGGTTACTGGCGACAGAAACAATTCTTCTTGC[C>T]GCAATTACAACAAGCAAGCAAGTGAGCAAAACTGGGCTAATTACAGTGCAGAACAAAATC-3'
Protein context (NP_000156.1, residues 289-309): VTGDRNNSSC[Arg299Cys]NYNKQASEQN

ClinVar aggregate classification (germline): Uncertain significance. Review status: criteria provided, multiple submitters, no conflicts (2 of 4 stars). 5 submissions from 5 submitters: Uncertain significance (4). 1 of the submissions does not count toward it. Last evaluated 2026-04-01.

Conditions:
Oculodentodigital dysplasia, autosomal recessive. Also called: OCULODENTOOSSEOUS DYSPLASIA, AUTOSOMAL RECESSIVE; ODDD, AUTOSOMAL RECESSIVE; ODOD, AUTOSOMAL RECESSIVE. Identifiers: Orphanet 2710, MedGen C2749477, MONDO:0009768, OMIM 257850.
GJA1-related disorder. Also called: GJA1-related condition.
Inborn genetic diseases. Identifiers: MedGen C0950123, MeSH D030342.

gnomAD v4.1: 50 of 1,613,852 alleles (0.0031%); highest among the groups gnomAD compares: Middle Eastern, 0.016%; no homozygotes.

Submissions (5):

GeneDx
Classification: Uncertain significance. Last evaluated: 2026-04-01. Review status: criteria provided, single submitter. Criteria: GeneDx Variant Classification Process June 2021. Collection method: clinical testing. Allele origin: germline.
Comment: Identified in a patient with ventricular septal defect in published literature (PMID: Kalayinia2019[CaseReport]); In silico analysis suggests that this missense variant does not alter protein structure/function; This variant is associated with the following publications: (PMID: Kalayinia2019[CaseReport])

Ambry Genetics
Classification: Uncertain significance for Inborn genetic diseases. Last evaluated: 2025-08-28. Review status: criteria provided, single submitter. Criteria: Ambry Variant Classification Scheme 2023. Collection method: clinical testing. Allele origin: germline.

Labcorp Genetics (formerly Invitae), Labcorp
Classification: Uncertain significance for Oculodentodigital dysplasia, autosomal recessive. Last evaluated: 2025-03-24. Review status: criteria provided, single submitter. Criteria: Invitae Variant Classification Sherloc (09022015). Collection method: clinical testing. Allele origin: germline.
Comment: This sequence change replaces arginine, which is basic and polar, with cysteine, which is neutral and slightly polar, at codon 299 of the GJA1 protein (p.Arg299Cys). This variant is present in population databases (rs748954821, gnomAD 0.01%). This variant has not been reported in the literature in individuals affected with GJA1-related conditions. ClinVar contains an entry for this variant (Variation ID: 1381501). Invitae Evidence Modeling of protein sequence and biophysical properties (such as structural, functional, and spatial information, amino acid conservation, physicochemical variation, residue mobility, and thermodynamic stability) has been performed for this missense variant. However, the output from this modeling did not meet the statistical confidence thresholds required to predict the impact of this variant on GJA1 protein function. In summary, the available evidence is currently insufficient to determine the role of this variant in disease. Therefore, it has been classified as a Variant of Uncertain Significance.

Breakthrough Genomics
Classification: Uncertain significance. Review status: criteria provided, single submitter. Criteria: ACMG Guidelines, 2015. Collection method: not provided. Allele origin: germline. Inheritance: Autosomal recessive inheritance. Affected: yes.

PreventionGenetics, part of Exact Sciences
Classification: Uncertain significance for GJA1-related condition. Last evaluated: 2024-07-17. Review status: no assertion criteria provided. Collection method: clinical testing. Allele origin: germline. Not counted in ClinVar's aggregate classification.
Comment: The GJA1 c.895C>T variant is predicted to result in the amino acid substitution p.Arg299Cys. To our knowledge, this variant has not been reported in the literature. This variant is reported in 0.012% of alleles in individuals of African descent in gnomAD. At this time, the clinical significance of this variant is uncertain due to the absence of conclusive functional and genetic evidence.